The following is an entry in ClinVar:

ClinVar aggregate classification (germline): Conflicting classifications of pathogenicity. Review status: criteria provided, conflicting classifications (1 of 4 stars). 14 submissions from 14 submitters: Uncertain significance (5); Likely benign (4). 5 of the submissions do not count toward it. Last evaluated 2026-01-31.

Conditions:
CEP290-related disorder. Also called: CEP290-related disorders; CEP290-related condition. Identifiers: MedGen CN239314.
Nephronophthisis. Also called: Juvenile Nephronophthisis. Identifiers: Orphanet 655, MedGen C0687120, MONDO:0019005, HP:0000090.
Meckel-Gruber syndrome. Also called: Dysencephalia splachnocystica; DYSENCEPHALIA SPLANCHNOCYSTICA; GRUBER SYNDROME. Identifiers: Orphanet 564, MedGen C0265215, MONDO:0018921.
Joubert syndrome. Also called: Familial aplasia of the vermis; JOUBERT-BOLTSHAUSER SYNDROME. Identifiers: Orphanet 475, MedGen C5979921, MONDO:0018772.
Inborn genetic diseases. Identifiers: MedGen C0950123, MeSH D030342.
Bardet-Biedl syndrome 14 (BBS14). Identifiers: Orphanet 110, MedGen C2673874, MONDO:0014442, OMIM 615991.
Joubert syndrome 5 (JBTS5). Identifiers: Orphanet 2318, MedGen C1857780, MONDO:0012432, OMIM 610188.
Meckel syndrome, type 4 (MKS4). Also called: MECKEL-GRUBER SYNDROME, TYPE 4. Identifiers: Orphanet 564, MedGen C1970161, MONDO:0012626, OMIM 611134.
Leber congenital amaurosis 10 (LCA10). Identifiers: Orphanet 65, MedGen C1857821, MONDO:0012723, OMIM 611755.
Senior-Loken syndrome 6 (SLSN6). Identifiers: Orphanet 3156, MedGen C1857779, MONDO:0012433, OMIM 610189.
Leber congenital amaurosis (LCA). Also called: Leber's amaurosis. Identifiers: Orphanet 65, MedGen C0339527, MeSH D057130, MONDO:0018998.

Allele frequency attached by ClinVar (database versions not stated): gnomAD exomes 0.00009 and 0.00016; ExAC 0.00014; 1000 Genomes Project 0.00040; ESP Exome Variant Server 0.00042; 1000 Genomes Project 30x 0.00047; gnomAD 0.00073; TOPMed 0.00091.
gnomAD v4.1: 269 of 1,613,600 alleles (0.017%); highest among the groups gnomAD compares: African/African-American, 0.31%; 3 homozygotes.

Submissions (14):

Labcorp Genetics (formerly Invitae), Labcorp
Classification: Likely benign for Joubert syndrome; Meckel-Gruber syndrome; Nephronophthisis. Last evaluated: 2026-01-31. Review status: criteria provided, single submitter. Criteria: Invitae Variant Classification Sherloc (09022015). Collection method: clinical testing. Allele origin: germline.

GeneDx
Classification: Uncertain significance. Last evaluated: 2025-10-01. Review status: criteria provided, single submitter. Criteria: GeneDx Variant Classification Process June 2021. Collection method: clinical testing. Allele origin: germline. Affected: yes.
Comment: In silico analysis supports that this missense variant has a deleterious effect on protein structure/function; Has not been previously published as pathogenic or benign to our knowledge

Ambry Genetics
Classification: Likely benign for Inborn genetic diseases. Last evaluated: 2025-01-09. Review status: criteria provided, single submitter. Criteria: Ambry Variant Classification Scheme 2023. Collection method: clinical testing. Allele origin: germline.

Blueprint Genetics
Classification: Likely benign. Last evaluated: 2024-08-28. Review status: criteria provided, single submitter. Criteria: ACMG Guidelines, 2015. Collection method: clinical testing. Allele origin: germline.

Fulgent Genetics
Classification: Likely benign for Joubert syndrome 5; Senior-Loken syndrome 6; Meckel syndrome, type 4; Leber congenital amaurosis 10; Bardet-Biedl syndrome 14. Last evaluated: 2024-03-06. Review status: criteria provided, single submitter. Criteria: ACMG Guidelines, 2015. Collection method: clinical testing. Allele origin: germline.

Genome-Nilou Lab
Classification: Uncertain significance for Joubert syndrome 5. Last evaluated: 2021-06-10. Review status: criteria provided, single submitter. Criteria: ACMG Guidelines, 2015. Collection method: clinical testing. Allele origin: germline. Affected: no.

ARUP Laboratories, Molecular Genetics and Genomics, ARUP Laboratories
Classification: Uncertain significance. Last evaluated: 2018-12-13. Review status: criteria provided, single submitter. Criteria: ARUP Molecular Germline Variant Investigation Process. Collection method: clinical testing. Allele origin: germline.
Comment: The CEP290 c.341G>A; p.Arg114His variant (rs150296134), to our knowledge, is not reported in the medical literature or gene-specific databases. The variant is reported in the ClinVar database (Variation ID: 198265) and in the general population with an allele frequency of 0.02% (64/280282 alleles, including 1 homozygote). The amino acid at this position is moderately conserved and computational algorithms (PolyPhen-2, SIFT) predict this variant is deleterious. Considering available information, the clinical significance of this variant cannot be determined with certainty.

Genetic Services Laboratory, University of Chicago
Classification: Uncertain significance. Last evaluated: 2015-11-19. Review status: criteria provided, single submitter. Criteria: ACMG Guidelines, 2015. Collection method: clinical testing. Allele origin: germline. Affected: no.

Eurofins Ntd Llc (ga)
Classification: Uncertain significance. Last evaluated: 2015-06-02. Review status: criteria provided, single submitter. Criteria: EGL Classification Definitions 2015. Collection method: clinical testing. Allele origin: germline. Observed: 1 variant allele, 1 heterozygote.

PreventionGenetics, part of Exact Sciences
Classification: Likely benign for CEP290-related condition. Last evaluated: 2022-02-18. Review status: no assertion criteria provided. Collection method: clinical testing. Allele origin: germline. Not counted in ClinVar's aggregate classification.
Comment: This variant is classified as likely benign based on ACMG/AMP sequence variant interpretation guidelines (Richards et al. 2015 PMID: 25741868, with internal and published modifications).

Natera, Inc.
Classification: Uncertain significance for Leber congenital amaurosis. Last evaluated: 2020-04-17. Review status: no assertion criteria provided. Collection method: clinical testing. Allele origin: germline. Not counted in ClinVar's aggregate classification.

Clinical Genetics DNA and cytogenetics Diagnostics Lab, Erasmus MC, Erasmus Medical Center
Classification: Uncertain significance. Review status: no assertion criteria provided. Collection method: clinical testing. Allele origin: germline. Affected: yes. Study: VKGL Data-share Consensus. Not counted in ClinVar's aggregate classification.

Clinical Genetics, Academic Medical Center
Classification: Uncertain significance. Review status: no assertion criteria provided. Collection method: clinical testing. Allele origin: germline. Affected: yes. Study: VKGL Data-share Consensus. Not counted in ClinVar's aggregate classification.

Laboratory of Diagnostic Genome Analysis, Leiden University Medical Center (LUMC)
Classification: Uncertain significance. Review status: no assertion criteria provided. Collection method: clinical testing. Allele origin: germline. Affected: yes. Study: VKGL Data-share Consensus. Not counted in ClinVar's aggregate classification.

NM_025114.4(CEP290):c.341G>A (p.Arg114His)

Gene: CEP290 (centrosomal protein 290; minus strand). Cytogenetic location: 12q21.32.
Variant type: single nucleotide variant.
Coding change: c.341G>A on transcript NM_025114.4 (MANE Select); coding-DNA position 341, G replaced by A.
Protein change: p.Arg114His; replaces arginine 114 with histidine.
Molecular consequence: missense variant.
Genome position (GRCh38, 1-based): chr12:88,136,743, C>T on the plus strand (G>A on the coding strand, the complement: CEP290 is on the minus strand). VCF-style: chr12-88136743-C-T. GRCh37 (hg19) VCF-style: chr12-88530520-C-T.
Other names: short protein forms R114H.
Identifiers: ClinVar variation 198265 (VCV000198265.46), dbSNP rs150296134, ClinGen allele CA246817.